The following is an entry in ClinVar:

ClinVar aggregate classification (germline): Benign. Review status: criteria provided, multiple submitters, no conflicts (2 of 4 stars). 6 submissions from 6 submitters: Benign (4). 2 of the submissions do not count toward it. Last evaluated 2026-02-02.

Conditions:
Charcot-Marie-Tooth disease. Also called: Charcot-Marie-Tooth Neuropathy; Charcot-Marie-Tooth Hereditary Neuropathy. Identifiers: Orphanet 166, MedGen C0007959, MONDO:0015626.
ARHGEF10-related disorder. Also called: ARHGEF10-related condition.
Autosomal dominant slowed nerve conduction velocity. Identifiers: Orphanet 140481, MedGen C1842357, MONDO:0011998, OMIM 608236.

Allele frequency attached by ClinVar (database versions not stated): ExAC 0.15937; 1000 Genomes Project 30x 0.16131; 1000 Genomes Project 0.16833; ESP Exome Variant Server 0.10810; TOPMed 0.11482; gnomAD 0.11648; gnomAD exomes 0.15924.
gnomAD v4.1: 248,759 of 1,612,786 alleles (15%); highest among the groups gnomAD compares: East Asian, 29%; 21,612 homozygotes.

Submissions (6):

Labcorp Genetics (formerly Invitae), Labcorp
Classification: Benign. Last evaluated: 2026-02-02. Review status: criteria provided, single submitter. Criteria: Invitae Variant Classification Sherloc (09022015). Collection method: clinical testing. Allele origin: germline.

ARUP Laboratories, Molecular Genetics and Genomics, ARUP Laboratories
Classification: Benign for Autosomal dominant slowed nerve conduction velocity. Last evaluated: 2023-11-29. Review status: criteria provided, single submitter. Criteria: ARUP Molecular Germline Variant Investigation Process 2024. Collection method: clinical testing. Allele origin: germline.

GeneDx
Classification: Benign. Last evaluated: 2021-05-04. Review status: criteria provided, single submitter. Criteria: GeneDx Variant Classification Process June 2021. Collection method: clinical testing. Allele origin: germline. Affected: yes.
Comment: This variant is associated with the following publications: (PMID: 25164601)

Breakthrough Genomics
Classification: Benign. Review status: criteria provided, single submitter. Criteria: ACMG Guidelines, 2015. Collection method: not provided. Allele origin: germline. Inheritance: Autosomal dominant inheritance. Affected: yes.

PreventionGenetics, part of Exact Sciences
Classification: Benign for ARHGEF10-related condition. Last evaluated: 2019-10-18. Review status: no assertion criteria provided. Collection method: clinical testing. Allele origin: germline. Not counted in ClinVar's aggregate classification.
Comment: This variant is classified as benign based on ACMG/AMP sequence variant interpretation guidelines (Richards et al. 2015 PMID: 25741868, with internal and published modifications).

Inherited Neuropathy Consortium
Classification: Uncertain significance for Charcot-Marie-Tooth disease. Review status: no assertion criteria provided. Collection method: literature only. Allele origin: germline. Affected: yes. Not counted in ClinVar's aggregate classification.

Literature cited by the submitters: PubMed 25164601 (cited by Inherited Neuropathy Consortium).

NM_014629.4(ARHGEF10):c.1110G>C (p.Leu370Phe)

Gene: ARHGEF10 (Rho guanine nucleotide exchange factor 10; plus strand). Cytogenetic location: 8p23.3.
Variant type: single nucleotide variant.
Coding change: c.1110G>C on transcript NM_014629.4 (MANE Select); coding-DNA position 1110, G replaced by C.
Protein change: p.Leu370Phe; replaces leucine 370 with phenylalanine.
Molecular consequence: missense variant.
Genome position (GRCh38, 1-based): chr8:1,885,635, G>C. VCF-style: chr8-1885635-G-C. GRCh37 (hg19) VCF-style: chr8-1833801-G-C.
Other names: c.996G>C, p.Leu332Phe (NM_001308152.2); c.1113G>C, p.Leu371Phe (NM_001308153.3); short protein forms L370F, L332F, L395F, L371F.
Identifiers: ClinVar variation 618536 (VCV000618536.25), dbSNP rs9657362, ClinGen allele CA4600217.